The following is an entry in ClinVar:

ClinVar aggregate classification (germline): Uncertain significance (1 of 4 stars; one submission).

Allele frequency attached by ClinVar (database versions not stated): ExAC 0.00002; gnomAD 0.00003; gnomAD exomes 0.00003; TOPMed 0.00003; 1000 Genomes Project 30x 0.00016; 1000 Genomes Project 0.00020.
gnomAD v4.1: 42 of 1,611,864 alleles (0.0026%); highest among the groups gnomAD compares: East Asian, 0.034%; no homozygotes.

Submission:

Labcorp Genetics (formerly Invitae), Labcorp
Classification: Uncertain significance. Last evaluated: 2021-12-22. Review status: criteria provided, single submitter. Criteria: Invitae Variant Classification Sherloc (09022015). Collection method: clinical testing. Allele origin: germline.
Comment: This variant has not been reported in the literature in individuals affected with FAN1-related conditions. In summary, the available evidence is currently insufficient to determine the role of this variant in disease. Therefore, it has been classified as a Variant of Uncertain Significance. Algorithms developed to predict the effect of missense changes on protein structure and function are either unavailable or do not agree on the potential impact of this missense change (SIFT: "Tolerated"; PolyPhen-2: "Probably Damaging"; Align-GVGD: "Class C0"). This variant is present in population databases (rs200517390, gnomAD 0.005%). This sequence change replaces threonine, which is neutral and polar, with methionine, which is neutral and non-polar, at codon 905 of the FAN1 protein (p.Thr905Met).

NM_014967.5(FAN1):c.2714C>T (p.Thr905Met)

Genes: FAN1 (FANCD2 and FANCI associated nuclease 1; plus strand), MTMR10 (myotubularin related protein 10; minus strand). Cytogenetic location: 15q13.3.
Variant type: single nucleotide variant.
Coding change: c.2714C>T on transcript NM_014967.5 (MANE Select); coding-DNA position 2714, C replaced by T.
Protein change: p.Thr905Met; replaces threonine 905 with methionine.
Molecular consequence: missense variant.
Genome position (GRCh38, 1-based): chr15:30,929,324, C>T. VCF-style: chr15-30929324-C-T. GRCh37 (hg19) VCF-style: chr15-31221527-C-T.
Other names: short protein forms T905M.
Identifiers: ClinVar variation 2180207 (VCV002180207.4), dbSNP rs200517390, ClinGen allele CA7450738.